The following is an entry in ClinVar:

ClinVar aggregate classification (germline): Uncertain significance (1 of 4 stars; one submission).

Allele frequency attached by ClinVar (database versions not stated): TOPMed 0.00001.
gnomAD v4.1: 14 of 1,613,358 alleles (0.00087%); highest among the groups gnomAD compares: East Asian, 0.0067%; no homozygotes.

Submission:

Labcorp Genetics (formerly Invitae), Labcorp
Classification: Uncertain significance. Last evaluated: 2022-04-20. Review status: criteria provided, single submitter. Criteria: Invitae Variant Classification Sherloc (09022015). Collection method: clinical testing. Allele origin: germline.
Comment: This sequence change replaces threonine, which is neutral and polar, with serine, which is neutral and polar, at codon 189 of the PCARE protein (p.Thr189Ser). The frequency data for this variant in the population databases is considered unreliable, as metrics indicate poor data quality at this position in the gnomAD database. This variant has not been reported in the literature in individuals affected with PCARE-related conditions. Algorithms developed to predict the effect of missense changes on protein structure and function (SIFT, PolyPhen-2, Align-GVGD) all suggest that this variant is likely to be tolerated. In summary, the available evidence is currently insufficient to determine the role of this variant in disease. Therefore, it has been classified as a Variant of Uncertain Significance.

NM_001029883.3(PCARE):c.566C>G (p.Thr189Ser)

Gene: PCARE (photoreceptor cilium actin regulator; minus strand). Cytogenetic location: 2p23.2.
Variant type: single nucleotide variant.
Coding change: c.566C>G on transcript NM_001029883.3 (MANE Select); coding-DNA position 566, C replaced by G.
Protein change: p.Thr189Ser; replaces threonine 189 with serine.
Molecular consequence: missense variant.
Genome position (GRCh38, 1-based): chr2:29,073,696, G>C on the plus strand (C>G on the coding strand, the complement: PCARE is on the minus strand). VCF-style: chr2-29073696-G-C. GRCh37 (hg19) VCF-style: chr2-29296562-G-C.
Other names: short protein forms T189S.
Identifiers: ClinVar variation 1923414 (VCV001923414.2), dbSNP rs1417134799, ClinGen allele CA346482016.